The following is an entry in ClinVar:

ClinVar aggregate classification (germline): Likely benign. Review status: criteria provided, multiple submitters, no conflicts (2 of 4 stars). 3 submissions from 3 submitters: Likely benign (2). 1 of the submissions does not count toward it. Last evaluated 2016-07-22.

Conditions:
TSHZ1-related disorder. Also called: TSHZ1-related condition.

Allele frequency attached by ClinVar (database versions not stated): gnomAD exomes 0.00160 and 0.00313; ExAC 0.00413; ESP Exome Variant Server 0.00743; gnomAD 0.00773 and 0.00814; 1000 Genomes Project 0.00819; TOPMed 0.00936.

Submissions (3):

Center for Pediatric Genomic Medicine, Children's Mercy Hospital and Clinics
Classification: Likely benign. Last evaluated: 2016-07-22. Review status: criteria provided, single submitter. Criteria: ACMG Guidelines, 2015. Collection method: clinical testing. Allele origin: germline.
ClinVar note: Converted during submission from Likely Benign to Likely benign.

Breakthrough Genomics
Classification: Likely benign. Review status: criteria provided, single submitter. Criteria: ACMG Guidelines, 2015. Collection method: not provided. Allele origin: germline. Inheritance: Autosomal dominant inheritance. Affected: yes.

PreventionGenetics, part of Exact Sciences
Classification: Benign for TSHZ1-related condition. Last evaluated: 2019-07-12. Review status: no assertion criteria provided. Collection method: clinical testing. Allele origin: germline. Not counted in ClinVar's aggregate classification.
Comment: This variant is classified as benign based on ACMG/AMP sequence variant interpretation guidelines (Richards et al. 2015 PMID: 25741868, with internal and published modifications).

NM_001308210.2(TSHZ1):c.503C>T (p.Thr168Ile)

Gene: TSHZ1 (teashirt zinc finger homeobox 1; plus strand). Cytogenetic location: 18q22.3.
Variant type: single nucleotide variant.
Coding change: c.503C>T on transcript NM_001308210.2 (MANE Select); coding-DNA position 503, C replaced by T.
Protein change: p.Thr168Ile; replaces threonine 168 with isoleucine.
Molecular consequence: missense variant.
Genome position (GRCh38, 1-based): chr18:75,285,910, C>T. VCF-style: chr18-75285910-C-T. GRCh37 (hg19) VCF-style: chr18-72997865-C-T.
Other names: c.368C>T, p.Thr123Ile (NM_005786.6); short protein forms T123I, T168I.
Identifiers: ClinVar variation 327802 (VCV000327802.5), dbSNP rs112669427, ClinGen allele CA9001833.